The following is an entry in ClinVar:

NM_032043.3(BRIP1):c.533C>G (p.Thr178Arg)

Gene: BRIP1 (BRCA1 interacting DNA helicase 1; minus strand). Cytogenetic location: 17q23.2.
Variant type: single nucleotide variant.
Coding change: c.533C>G on transcript NM_032043.3 (MANE Select); coding-DNA position 533, C replaced by G.
Protein change: p.Thr178Arg; replaces threonine 178 with arginine.
Molecular consequence: missense variant.
Genome position (GRCh38, 1-based): chr17:61,847,195, G>C on the plus strand (C>G on the coding strand, the complement: BRIP1 is on the minus strand). VCF-style: chr17-61847195-G-C. GRCh37 (hg19) VCF-style: chr17-59924556-G-C.
Other names: short protein forms T178R.
Identifiers: ClinVar variation 825661 (VCV000825661.12), dbSNP rs876658780, ClinGen allele CA400483268.

ClinVar aggregate classification (germline): Uncertain significance. Review status: criteria provided, multiple submitters, no conflicts (2 of 4 stars). 2 submissions from 2 submitters: Uncertain significance (2). Last evaluated 2025-05-18.

Conditions:
Hereditary cancer-predisposing syndrome. Also called: Neoplastic Syndromes, Hereditary; Hereditary Cancer Syndrome; Hereditary neoplastic syndrome; Tumor predisposition. Identifiers: Orphanet 140162, MedGen C0027672, MeSH D009386, MONDO:0015356.
Fanconi anemia complementation group J. Also called: BRIP1-Related Fanconi Anemia. Identifiers: Orphanet 84, MedGen C1836860, MONDO:0012187, OMIM 609054.
Familial cancer of breast. Also called: hereditary breast carcinoma; BREAST CANCER, FAMILIAL; Hereditary breast cancer. Identifiers: Orphanet 227535, MedGen C0346153, MONDO:0016419, OMIM 114480. Disease mechanism: loss of function.

Submissions (2):

Ambry Genetics
Classification: Uncertain significance for Hereditary cancer-predisposing syndrome. Last evaluated: 2025-05-18. Review status: criteria provided, single submitter. Criteria: Ambry Variant Classification Scheme 2023. Collection method: clinical testing. Allele origin: germline.
Comment: The p.T178R variant (also known as c.533C>G), located in coding exon 5 of the BRIP1 gene, results from a C to G substitution at nucleotide position 533. The threonine at codon 178 is replaced by arginine, an amino acid with similar properties. This variant was reported in 0/60,466 breast cancer cases and in 2/53,461 controls (Dorling et al. N Engl J Med. 2021 02;384:428-439). This amino acid position is poorly conserved in available vertebrate species. In addition, this alteration is predicted to be tolerated by in silico analysis. Since supporting evidence is limited at this time, the clinical significance of this alteration remains unclear.

Labcorp Genetics (formerly Invitae), Labcorp
Classification: Uncertain significance for Familial cancer of breast; Fanconi anemia complementation group J. Last evaluated: 2024-10-02. Review status: criteria provided, single submitter. Criteria: Invitae Variant Classification Sherloc (09022015). Collection method: clinical testing. Allele origin: germline.
Comment: This sequence change replaces threonine, which is neutral and polar, with arginine, which is basic and polar, at codon 178 of the BRIP1 protein (p.Thr178Arg). This variant is not present in population databases (gnomAD no frequency). This variant has not been reported in the literature in individuals affected with BRIP1-related conditions. ClinVar contains an entry for this variant (Variation ID: 825661). Invitae Evidence Modeling of protein sequence and biophysical properties (such as structural, functional, and spatial information, amino acid conservation, physicochemical variation, residue mobility, and thermodynamic stability) indicates that this missense variant is not expected to disrupt BRIP1 protein function with a negative predictive value of 80%. In summary, the available evidence is currently insufficient to determine the role of this variant in disease. Therefore, it has been classified as a Variant of Uncertain Significance.

Literature cited by the submitters: PubMed 33471991 (cited by Ambry Genetics).